The following is an entry in ClinVar:

ClinVar aggregate classification (germline): Uncertain significance. Review status: criteria provided, multiple submitters, no conflicts (2 of 4 stars). 2 submissions from 2 submitters: Uncertain significance (2). Last evaluated 2026-01-05.

Conditions:
Orthostatic hypotension 1 (ORTHYP1). Also called: NORADRENALINE DEFICIENCY; NOREPINEPHRINE DEFICIENCY; Orthostatic hypotension 1, due to DBH deficiency; Dopamine beta-hydroxylase deficiency. Identifiers: Orphanet 230, MedGen C4746777, MONDO:0009123, OMIM 223360.

Allele frequency attached by ClinVar (database versions not stated): gnomAD 0.00002; TOPMed 0.00008; gnomAD exomes below 0.00001.
gnomAD v4.1: 10 of 1,612,560 alleles (0.00062%); highest among the groups gnomAD compares: Admixed American, 0.0033%; no homozygotes.

Submissions (2):

Dasa
Classification: Uncertain significance. Last evaluated: 2026-01-05. Review status: criteria provided, single submitter. Criteria: DASA Assertion Criteria. Collection method: clinical testing. Allele origin: germline.
Comment: NM_000787.4(DBH):c.1546T>C (p.Phe516Leu) is a missense variant that results in the substitution of phenylalanine with leucine. This variant is rare in population databases. Computational prediction algorithms are consistent with a deleterious effect. The currently available literature and clinical evidence are not sufficient to establish a definitive association between this variant and the reported condition. Therefore, this variant is classified as a variant of uncertain significance.

Labcorp Genetics (formerly Invitae), Labcorp
Classification: Uncertain significance for Orthostatic hypotension 1. Last evaluated: 2018-12-04. Review status: criteria provided, single submitter. Criteria: Invitae Variant Classification Sherloc (09022015). Collection method: clinical testing. Allele origin: germline.
Comment: In summary, the available evidence is currently insufficient to determine the role of this variant in disease. Therefore, it has been classified as a Variant of Uncertain Significance. Algorithms developed to predict the effect of missense changes on protein structure and function are either unavailable or do not agree on the potential impact of this missense change (SIFT: "Deleterious"; PolyPhen-2: "Probably Damaging"; Align-GVGD: "Class C15"). This variant has not been reported in the literature in individuals with DBH-related conditions. This variant is not present in population databases (ExAC no frequency). This sequence change replaces phenylalanine with leucine at codon 516 of the DBH protein (p.Phe516Leu). The phenylalanine residue is highly conserved and there is a small physicochemical difference between phenylalanine and leucine.

NM_000787.4(DBH):c.1546T>C (p.Phe516Leu)

Genes: DBH (dopamine beta-hydroxylase; plus strand), DBH-AS1 (DBH antisense RNA 1; minus strand). Cytogenetic location: 9q34.2.
Variant type: single nucleotide variant.
Coding change: c.1546T>C on transcript NM_000787.4 (MANE Select); coding-DNA position 1546, T replaced by C.
Protein change: p.Phe516Leu; replaces phenylalanine 516 with leucine.
Molecular consequence: missense variant.
Genome position (GRCh38, 1-based): chr9:133,656,634, T>C. VCF-style: chr9-133656634-T-C. GRCh37 (hg19) VCF-style: chr9-136521756-T-C.
Other names: short protein forms F516L.
Identifiers: ClinVar variation 639542 (VCV000639542.9), dbSNP rs961601560, ClinGen allele CA200981186.